The following is an entry in ClinVar:

ClinVar aggregate classification (germline): Likely pathogenic (1 of 4 stars; one submission).

Submission:

Labcorp Genetics (formerly Invitae), Labcorp
Classification: Likely pathogenic. Last evaluated: 2023-02-03. Review status: criteria provided, single submitter. Criteria: Invitae Variant Classification Sherloc (09022015). Collection method: clinical testing. Allele origin: unknown.
Comment: This variant results in a copy number gain of the genomic region encompassing exon(s) 14-23 of the SLC12A3 gene. While the exact position of this variant cannot be determined from the data, sub-genic copy number gains are generally in tandem (PMID: 25640679). This variant is predicted to be out-of-frame, and may result in an absent or disrupted protein product. Loss-of-function variants in SLC12A3 are known to be pathogenic (PMID: 20848653, 22009145, 25841442). This variant has not been reported in the literature in individuals affected with SLC12A3-related conditions. In summary, the currently available evidence indicates that the variant is pathogenic, but additional data are needed to prove that conclusively. Therefore, this variant has been classified as Likely Pathogenic.

Literature cited by the submitters: PubMed 25640679; PubMed 20848653; PubMed 22009145; PubMed 25841442.

NC_000016.9:g.(?_56917941)_(56933548_?)dup

Gene: SLC12A3 (solute carrier family 12 member 3; plus strand). Cytogenetic location: 16q13.
Variant type: Duplication.
Identifiers: ClinVar variation 3243579 (VCV003243579.1).